The following is an entry in ClinVar:

NM_003924.4(PHOX2B):c.753_767del (p.Ala256_Ala260del)

Genes: PHOX2B (paired like homeobox 2B; minus strand), LOC110011216 (paired like homeobox 2b polyalanine repeat instability region; plus strand). Cytogenetic location: 4p13.
Variant type: Deletion.
Coding change: c.753_767del on transcript NM_003924.4 (MANE Select); coding-DNA positions 753 to 767, 15 bases deleted (GGCGGCGGCAGCGGC).
Protein change: p.Ala256_Ala260del.
Molecular consequence: inframe deletion.
Genome position (GRCh38, 1-based): chr4:41,745,985-41,745,999, GCCGCTGCCGCCGCC deleted on the plus strand (GGCGGCGGCAGCGGC on the coding strand, the reverse complement: PHOX2B is on the minus strand); deleting any 15 consecutive bases within chr4:41,745,985-41,746,010 gives the same sequence; the c. name uses the placement nearest the transcript's 3' end. VCF-style (leftmost placement, unchanged base first): chr4-41745984-TGCCGCTGCCGCCGCC-T. GRCh37 (hg19) VCF-style: chr4-41748001-TGCCGCTGCCGCCGCC-T.
Other names: c.753_767delGGCGGCGGCAGCGGC (NM_003924.3).
Identifiers: ClinVar variation 467742 (VCV000467742.15), dbSNP rs779557320, ClinGen allele CA2901434.
Genomic context (GRCh38, chr4:41,745,984, plus strand): 5'-GCCGGGAGCCCAGCCTTGTCCAGGGCCCCCAGCCGCAGCCAGGCCTCCAGCTGCCGCCGC[TGCCGCTGCCGCCGCC>T]GCCGCTGCCGCGGCCGCCGCCGCTGCTGCTGCGCCGCCCTTGCCGGGTTCGCCTCCCGGG-3'

ClinVar aggregate classification (germline): Likely benign. Review status: criteria provided, multiple submitters, no conflicts (2 of 4 stars). 4 submissions from 4 submitters: Likely benign (3). 1 of the submissions does not count toward it. Last evaluated 2025-11-17.

Conditions:
Hereditary cancer-predisposing syndrome. Also called: Neoplastic Syndromes, Hereditary; Hereditary Cancer Syndrome; Tumor predisposition; Hereditary neoplastic syndrome. Identifiers: Orphanet 140162, MedGen C0027672, MeSH D009386, MONDO:0015356.
PHOX2B-related disorder. Also called: PHOX2B-related condition.
Haddad syndrome (OHD). Also called: Ondine-Hirschsprung disease. Identifiers: Orphanet 99803, MedGen C1859049, MONDO:0020493.

Submissions (4):

Labcorp Genetics (formerly Invitae), Labcorp
Classification: Likely benign for Haddad syndrome. Last evaluated: 2025-11-17. Review status: criteria provided, single submitter. Criteria: Invitae Variant Classification Sherloc (09022015). Collection method: clinical testing. Allele origin: germline.

Sema4
Classification: Likely benign for Hereditary cancer-predisposing syndrome. Last evaluated: 2021-01-25. Review status: criteria provided, single submitter. Criteria: Sema4 Curation Guidelines. Collection method: curation. Allele origin: germline.

GeneDx
Classification: Likely benign. Last evaluated: 2018-03-13. Review status: criteria provided, single submitter. Criteria: GeneDx Variant Classification (06012015). Collection method: clinical testing. Allele origin: germline. Affected: yes.
Comment: This variant is considered likely benign or benign based on one or more of the following criteria: it is a conservative change, it occurs at a poorly conserved position in the protein, it is predicted to be benign by multiple in silico algorithms, and/or has population frequency not consistent with disease.

PreventionGenetics, part of Exact Sciences
Classification: Likely benign for PHOX2B-related condition. Last evaluated: 2022-10-11. Review status: no assertion criteria provided. Collection method: clinical testing. Allele origin: germline. Not counted in ClinVar's aggregate classification.
Comment: This variant is classified as likely benign based on ACMG/AMP sequence variant interpretation guidelines (Richards et al. 2015 PMID: 25741868, with internal and published modifications).